The following is an entry in ClinVar:

ClinVar aggregate classification (germline): Pathogenic/Likely pathogenic. Review status: criteria provided, multiple submitters, no conflicts (2 of 4 stars). 3 submissions from 3 submitters: Pathogenic (2); Likely pathogenic (1). Last evaluated 2024-10-08.

Conditions:
Ichthyosis prematurity syndrome (IPS). Also called: ICHTHYOSIS CONGENITA IV. Identifiers: Orphanet 88621, MedGen C1837610, MONDO:0012089, OMIM 608649.

Allele frequency attached by ClinVar (database versions not stated): TOPMed below 0.00001.

Submissions (3):

Labcorp Genetics (formerly Invitae), Labcorp
Classification: Pathogenic. Last evaluated: 2024-10-08. Review status: criteria provided, single submitter. Criteria: Invitae Variant Classification Sherloc (09022015). Collection method: clinical testing. Allele origin: germline.
Comment: This sequence change creates a premature translational stop signal (p.Gln483*) in the SLC27A4 gene. It is expected to result in an absent or disrupted protein product. Loss-of-function variants in SLC27A4 are known to be pathogenic (PMID: 19631310, 21450060). This variant is not present in population databases (gnomAD no frequency). This variant has not been reported in the literature in individuals affected with SLC27A4-related conditions. ClinVar contains an entry for this variant (Variation ID: 810428). For these reasons, this variant has been classified as Pathogenic.

Fulgent Genetics
Classification: Likely pathogenic for Ichthyosis prematurity syndrome. Last evaluated: 2024-04-11. Review status: criteria provided, single submitter. Criteria: ACMG Guidelines, 2015. Collection method: clinical testing. Allele origin: germline.

CeGaT Center for Human Genetics Tuebingen
Classification: Pathogenic. Last evaluated: 2019-07-01. Review status: criteria provided, single submitter. Criteria: CeGaT Center For Human Genetics Tuebingen Variant Classification Criteria Version 2. Collection method: clinical testing. Allele origin: germline. Affected: yes. Observed: 2 variant alleles.

Literature cited by the submitters: PubMed 19631310 (cited by Labcorp Genetics (formerly Invitae), Labcorp); PubMed 21450060 (cited by Labcorp Genetics (formerly Invitae), Labcorp).

NM_005094.4(SLC27A4):c.1447C>T (p.Gln483Ter)

Gene: SLC27A4 (solute carrier family 27 member 4; plus strand). Cytogenetic location: 9q34.11.
Variant type: single nucleotide variant.
Coding change: c.1447C>T on transcript NM_005094.4 (MANE Select); coding-DNA position 1447, C replaced by T.
Protein change: p.Gln483Ter; replaces glutamine 483 with a stop codon.
Molecular consequence: nonsense.
Genome position (GRCh38, 1-based): chr9:128,355,175, C>T. VCF-style: chr9-128355175-C-T. GRCh37 (hg19) VCF-style: chr9-131117454-C-T.
Other names: short protein forms Q483*.
Identifiers: ClinVar variation 810428 (VCV000810428.46), dbSNP rs1340721389, ClinGen allele CA375036293.